The following is an entry in ClinVar:

NM_000052.7(ATP7A):c.2059A>T (p.Met687Leu)

Gene: ATP7A (ATPase copper transporting alpha; plus strand). Cytogenetic location: Xq21.1.
Variant type: single nucleotide variant.
Coding change: c.2059A>T on transcript NM_000052.7 (MANE Select); coding-DNA position 2059, A replaced by T.
Protein change: p.Met687Leu; replaces methionine 687 with leucine.
Molecular consequence: missense variant.
Genome position (GRCh38, 1-based): chrX:78,011,561, A>T. VCF-style: chrX-78011561-A-T. GRCh37 (hg19) VCF-style: chrX-77267058-A-T.
Other names: c.2059A>T, p.Met687Leu (NM_001282224.2); short protein forms M687L.
Identifiers: ClinVar variation 2926013 (VCV002926013.3), dbSNP rs2522350177, ClinGen allele CA413598324.

ClinVar aggregate classification (germline): Uncertain significance (1 of 4 stars; one submission).

Conditions:
Menkes kinky-hair syndrome (MNK). Also called: Copper transport disease; Menkes Disease; Classic Menkes Disease. Identifiers: Orphanet 565, MedGen C0022716, MONDO:0010651, OMIM 309400.
Cutis laxa, X-linked (OHS). Also called: EDS IX; Occipital horn syndrome. Identifiers: Orphanet 198, MedGen C0268353, MONDO:0010572, OMIM 304150.
X-linked distal spinal muscular atrophy type 3. Also called: ATP7A-Related Distal Motor Neuropathy; SPINAL MUSCULAR ATROPHY, DISTAL, X-LINKED RECESSIVE; NEURONOPATHY, DISTAL HEREDITARY MOTOR, X-LINKED; NEUROPATHY, DISTAL HEREDITARY MOTOR, X-LINKED. Identifiers: Orphanet 139557, MedGen C1845359, MONDO:0010338, OMIM 300489.

Allele frequency attached by ClinVar (database versions not stated): gnomAD exomes below 0.00001.
gnomAD v4.1: 5 of 1,211,247 alleles (0.00041%); highest among the groups gnomAD compares: Non-Finnish European, 0.00056%; no homozygotes.

Submission:

Labcorp Genetics (formerly Invitae), Labcorp
Classification: Uncertain significance for X-linked distal spinal muscular atrophy type 3; Cutis laxa, X-linked; Menkes kinky-hair syndrome. Last evaluated: 2025-12-31. Review status: criteria provided, single submitter. Criteria: Invitae Variant Classification Sherloc (09022015). Collection method: clinical testing. Allele origin: germline.
Comment: This sequence change replaces methionine, which is neutral and non-polar, with leucine, which is neutral and non-polar, at codon 687 of the ATP7A protein (p.Met687Leu). This variant is not present in population databases (gnomAD no frequency). This variant has not been reported in the literature in individuals affected with ATP7A-related conditions. ClinVar contains an entry for this variant (Variation ID: 2926013). Invitae Evidence Modeling of protein sequence and biophysical properties (such as structural, functional, and spatial information, amino acid conservation, physicochemical variation, residue mobility, and thermodynamic stability) indicates that this missense variant is not expected to disrupt ATP7A protein function with a negative predictive value of 95%. In summary, the available evidence is currently insufficient to determine the role of this variant in disease. Therefore, it has been classified as a Variant of Uncertain Significance.